The following is an entry in ClinVar:

ClinVar aggregate classification (germline): Pathogenic/Likely pathogenic. Review status: criteria provided, multiple submitters, no conflicts (2 of 4 stars). 2 submissions from 2 submitters: Pathogenic (1); Likely pathogenic (1). Last evaluated 2025-11-13.

Conditions:
Brittle cornea syndrome 1 (BCS1). Also called: CORNEAL FRAGILITY, KERATOGLOBUS, BLUE SCLERAE, JOINT HYPEREXTENSIBILITY; EDS6B; FRAGILITAS OCULI WITH JOINT HYPEREXTENSIBILITY; Corneal fragility keratoglobus, blue sclerae AND joint hypermobility; DYSGENESIS MESODERMALIS CORNEAE ET SCLERAE. Identifiers: Orphanet 90354, MedGen C0268344, MONDO:0024543, OMIM 229200.
Cardiovascular phenotype. Identifiers: MedGen CN230736.

Submissions (2):

Women's Health and Genetics/Laboratory Corporation of America, LabCorp
Classification: Pathogenic for Brittle cornea syndrome 1. Last evaluated: 2025-11-13. Review status: criteria provided, single submitter. Criteria: LabCorp Variant Classification Summary - May 2015. Collection method: clinical testing. Allele origin: germline.
Comment: Variant summary: ZNF469 c.9915delC (p.Arg3306GlyfsX132) results in a premature termination codon, predicted to cause a truncation of the encoded protein. Nonsense mediated decay is not predicted, however pathogenic variants downstream have been observed. The variant was absent in 129340 control chromosomes. To our knowledge, no occurrence of c.9915delC in individuals affected with ZNF469-related conditions and no experimental evidence demonstrating its impact on protein function have been reported. ClinVar contains an entry for this variant (Variation ID: 3821087). Based on the evidence outlined above, the variant was classified as pathogenic.

Ambry Genetics
Classification: Likely pathogenic for Cardiovascular phenotype. Last evaluated: 2025-02-05. Review status: criteria provided, single submitter. Criteria: Ambry Variant Classification Scheme 2023. Collection method: clinical testing. Allele origin: germline.
Comment: The c.9831delC variant, located in coding exon 2 of the ZNF469 gene, results from a deletion of one nucleotide at nucleotide position 9831, causing a translational frameshift with a predicted alternate stop codon (p.R3278Gfs*132). This alteration occurs at the 3' terminus of theZNF469 gene, is not expected to trigger nonsense-mediated mRNA decay, and impacts the last 16% of the protein. However, premature stop codons are typically deleterious in nature and the impacted region is critical for protein function and a significant portion of the protein is affected (Ambry internal data). This variant is considered to be rare based on population cohorts in the Genome Aggregation Database (gnomAD). Based on the majority of available evidence to date, this variant is likely to be pathogenic.

NM_001367624.2(ZNF469):c.9915del (p.Arg3306fs)

Gene: ZNF469 (zinc finger protein 469; plus strand). Cytogenetic location: 16q24.2.
Variant type: Deletion.
Coding change: c.9915del on transcript NM_001367624.2 (MANE Select); coding-DNA position 9915, one base deleted (C; older notation c.9915delC).
Protein change: p.Arg3306fs; shifts the reading frame from arginine 3306.
Molecular consequence: frameshift variant.
Genome position (GRCh38, 1-based): chr16:88,437,385, C deleted; the last of 7 consecutive C bases (chr16:88,437,379-88,437,385); deleting any one gives the same sequence. VCF-style (leftmost placement, unchanged base first): chr16-88437378-GC-G. GRCh37 (hg19) VCF-style: chr16-88503786-GC-G.
Other names: NM_001127464.1:c.9831delC; c.9915delC (NM_001367624.2); short protein forms R3306fs.
Identifiers: ClinVar variation 3821087 (VCV003821087.2).